The following is an entry in ClinVar:

NM_198271.5(LMOD3):c.1459G>A (p.Val487Met)

Gene: LMOD3 (leiomodin 3; minus strand). Cytogenetic location: 3p14.1.
Variant type: single nucleotide variant.
Coding change: c.1459G>A on transcript NM_198271.5 (MANE Select); coding-DNA position 1459, G replaced by A.
Protein change: p.Val487Met; replaces valine 487 with methionine.
Molecular consequence: missense variant.
Genome position (GRCh38, 1-based): chr3:69,118,896, C>T on the plus strand (G>A on the coding strand, the complement: LMOD3 is on the minus strand). VCF-style: chr3-69118896-C-T. GRCh37 (hg19) VCF-style: chr3-69168047-C-T.
Other names: c.1459G>A, p.Val487Met (NM_001304418.3); short protein forms V487M.
Identifiers: ClinVar variation 4527150 (VCV004527150.1).

ClinVar aggregate classification (germline): Uncertain significance (1 of 4 stars; one submission).

Submission:

GeneDx
Classification: Uncertain significance. Last evaluated: 2025-04-22. Review status: criteria provided, single submitter. Criteria: GeneDx Variant Classification Process June 2021. Collection method: clinical testing. Allele origin: germline. Affected: yes.
Comment: Not observed at significant frequency in large population cohorts (gnomAD); In silico analysis indicates that this missense variant does not alter protein structure/function; Has not been previously published as pathogenic or benign to our knowledge